The following is an entry in ClinVar:

NM_004168.4(SDHA):c.434A>G (p.Gln145Arg)

Gene: SDHA (succinate dehydrogenase complex flavoprotein subunit A; plus strand). Cytogenetic location: 5p15.33.
Variant type: single nucleotide variant.
Coding change: c.434A>G on transcript NM_004168.4 (MANE Select); coding-DNA position 434, A replaced by G.
Protein change: p.Gln145Arg; replaces glutamine 145 with arginine.
Molecular consequence: missense variant. On other transcripts: intron variant (1).
Genome position (GRCh38, 1-based): chr5:225,540, A>G. VCF-style: chr5-225540-A-G. GRCh37 (hg19) VCF-style: chr5-225655-A-G.
Other names: c.434A>G, p.Gln145Arg (NM_001330758.2); c.313-343A>G (NM_001294332.2); short protein forms Q145R.
Identifiers: ClinVar variation 2025060 (VCV002025060.4), dbSNP rs2126547600, ClinGen allele CA359009642.
Genomic context (GRCh38, chr5:225,540, plus strand): 5'-ACACCGTGAAGGGCTCCGACTGGCTGGGGGACCAGGATGCCATCCACTACATGACGGAGC[A>G]GGCCCCCGCCGCCGTGGTCGAGGTGATGGGCGGGAGGCTCTGGGTGTTCTCGTGGTCTGT-3'
Protein context (NP_004159.2, residues 135-155): DQDAIHYMTE[Gln145Arg]APAAVVELEN

ClinVar aggregate classification (germline): Uncertain significance (1 of 4 stars; one submission).

Conditions:
Pheochromocytoma/paraganglioma syndrome 5. Also called: Paragangliomas 5; SDHA-Related Hereditary Paraganglioma-Pheochromocytoma Syndrome. Identifiers: Orphanet 29072, MedGen C3279992, MONDO:0013602, OMIM 614165.
Mitochondrial complex II deficiency, nuclear type 1. Also called: SUCCINATE CoQ REDUCTASE DEFICIENCY. Identifiers: Orphanet 3208, MedGen C5700310, MONDO:0100294, OMIM 252011.

Submission:

Labcorp Genetics (formerly Invitae), Labcorp
Classification: Uncertain significance for Pheochromocytoma/paraganglioma syndrome 5; Mitochondrial complex II deficiency, nuclear type 1. Last evaluated: 2025-12-16. Review status: criteria provided, single submitter. Criteria: Invitae Variant Classification Sherloc (09022015). Collection method: clinical testing. Allele origin: germline.
Comment: This sequence change replaces glutamine, which is neutral and polar, with arginine, which is basic and polar, at codon 145 of the SDHA protein (p.Gln145Arg). This variant is not present in population databases (gnomAD no frequency). This variant has not been reported in the literature in individuals affected with SDHA-related conditions. ClinVar contains an entry for this variant (Variation ID: 2025060). Invitae Evidence Modeling of protein sequence and biophysical properties (such as structural, functional, and spatial information, amino acid conservation, physicochemical variation, residue mobility, and thermodynamic stability) indicates that this missense variant is not expected to disrupt SDHA protein function with a negative predictive value of 95%. In summary, the available evidence is currently insufficient to determine the role of this variant in disease. Therefore, it has been classified as a Variant of Uncertain Significance.